The following is an entry in ClinVar:

ClinVar aggregate classification (germline): Likely benign (1 of 4 stars; one submission).

gnomAD v4.1: 4 of 1,613,142 alleles (0.00025%); highest among the groups gnomAD compares: Admixed American, 0.0017%; no homozygotes.

Submission:

Molecular Diagnostic Laboratory for Inherited Cardiovascular Disease, Montreal Heart Institute
Classification: Likely benign. Last evaluated: 2026-03-27. Review status: criteria provided, single submitter. Criteria: ACMG Guidelines, 2015. Collection method: clinical testing. Allele origin: germline. Affected: no.
Comment: PM2;BP1

NM_001267550.2(TTN):c.64686C>T (p.Pro21562=)

Genes: TTN (titin; minus strand), TTN-AS1 (TTN antisense RNA 1; plus strand). Cytogenetic location: 2q31.2.
Variant type: single nucleotide variant.
Coding change: c.64686C>T on transcript NM_001267550.2 (MANE Select); coding-DNA position 64686, C replaced by T.
Protein change: p.Pro21562=; no amino-acid change (proline 21562 retained).
Molecular consequence: synonymous variant. On other transcripts: non-coding transcript variant (1).
Genome position (GRCh38, 1-based): chr2:178,584,955, G>A on the plus strand (C>T on the coding strand, the complement: TTN is on the minus strand). VCF-style: chr2-178584955-G-A. GRCh37 (hg19) VCF-style: chr2-179449682-G-A.
Other names: c.38067C>T, p.Pro12689= (NM_133437.4); c.59763C>T, p.Pro19921= (NM_001256850.1); c.37491C>T, p.Pro12497= (NM_003319.4); c.56982C>T, p.Pro18994= (NM_133378.4); c.37866C>T, p.Pro12622= (NM_133432.3).
Identifiers: ClinVar variation 4820407 (VCV004820407.1), dbSNP rs2048595130.